The following is an entry in ClinVar:

NM_005475.3(SH2B3):c.715C>A (p.Leu239Ile)

Gene: SH2B3 (SH2B adaptor protein 3; plus strand). Cytogenetic location: 12q24.12.
Variant type: single nucleotide variant.
Coding change: c.715C>A on transcript NM_005475.3 (MANE Select); coding-DNA position 715, C replaced by A.
Protein change: p.Leu239Ile; replaces leucine 239 with isoleucine.
Molecular consequence: missense variant.
Genome position (GRCh38, 1-based): chr12:111,418,860, C>A. VCF-style: chr12-111418860-C-A. GRCh37 (hg19) VCF-style: chr12-111856664-C-A.
Other names: short protein forms L239I.
Identifiers: ClinVar variation 4864466 (VCV004864466.1).
Genomic context (GRCh38, chr12:111,418,860, plus strand): 5'-CGCGGGAGGCTGGCGCTGCGCCGGGCCCCGGGCCCCGATGGCCCCGACCGCGTGCTGGAG[C>A]TCTTCGACCCACCCAAGGTAAGTAAGCCCTGCCCGCGGGGTTGCGCACTGCACTGCGCCC-3'
Protein context (NP_005466.1, residues 229-249): GPDGPDRVLE[Leu239Ile]FDPPKSSRPK

ClinVar aggregate classification (germline): Uncertain significance (1 of 4 stars; one submission).

Conditions:
Inborn genetic diseases. Identifiers: MedGen C0950123, MeSH D030342.

Submission:

Ambry Genetics
Classification: Uncertain significance for Inborn genetic diseases. Last evaluated: 2026-06-08. Review status: criteria provided, single submitter. Criteria: Ambry Variant Classification Scheme 2023. Collection method: clinical testing. Allele origin: germline.
Comment: The p.L239I variant (also known as c.715C>A), located in coding exon 1 of the SH2B3 gene, results from a C to A substitution at nucleotide position 715. The leucine at codon 239 is replaced by isoleucine, an amino acid with highly similar properties. This amino acid position is conserved. In addition, this alteration is predicted to be tolerated by in silico analysis. Based on the available evidence, the clinical significance of this variant remains unclear.